The following is an entry in ClinVar:

NM_003620.4(PPM1D):c.1535dup (p.Asn512fs)

Gene: PPM1D (protein phosphatase, Mg2+/Mn2+ dependent 1D; plus strand). Cytogenetic location: 17q23.2.
Variant type: Duplication.
Coding change: c.1535dup on transcript NM_003620.4 (MANE Select); coding-DNA position 1535, one base duplicated (A; older notation c.1535dupA).
Protein change: p.Asn512fs; shifts the reading frame from asparagine 512.
Molecular consequence: frameshift variant.
Genome position (GRCh38, 1-based): chr17:60,663,269, A duplicated; the last of 7 consecutive A bases (chr17:60,663,263-60,663,269); duplicating any one gives the same sequence. VCF-style (leftmost placement, unchanged base first): chr17-60663262-C-CA. GRCh37 (hg19) VCF-style: chr17-58740623-C-CA.
Other names: short protein forms N512fs.
Identifiers: ClinVar variation 2505668 (VCV002505668.3), dbSNP rs763475304, ClinGen allele CA8687813.

ClinVar aggregate classification (germline): Conflicting classifications of pathogenicity. Review status: criteria provided, conflicting classifications (1 of 4 stars). 2 submissions from 2 submitters: Likely pathogenic (1); Uncertain significance (1). Last evaluated 2024-09-10.

Conditions:
PPM1D-related disorder. Also called: PPM1D-related condition.

Submissions (2):

Blueprint Genetics
Classification: Likely pathogenic for PPM1D-related disorders. Last evaluated: 2024-09-10. Review status: criteria provided, single submitter. Criteria: ACMG Guidelines, 2015. Collection method: clinical testing. Allele origin: germline. Affected: yes. Observed: 2 variant alleles.

GeneDx
Classification: Uncertain significance. Last evaluated: 2023-11-02. Review status: criteria provided, single submitter. Criteria: GeneDx Variant Classification Process June 2021. Collection method: clinical testing. Allele origin: germline. Affected: yes.
Comment: Has not been reported as a germline variant in association with IDDGIP but has been identified as a somatic variant in a patient with ovarian cancer (PMID: 24262437); Frameshift variant predicted to result in protein truncation, as the last 94 amino acids are replaced with 15 different amino acids, and other loss-of-function variants have been reported downstream in HGMD; This variant is associated with the following publications: (PMID: 30850729, 24262437)